The following is an entry in ClinVar:

ClinVar aggregate classification (germline): Uncertain significance (1 of 4 stars; one submission).

Conditions:
Perlman syndrome (PRLMNS). Identifiers: Orphanet 2849, MedGen C0796113, MONDO:0009965, OMIM 267000.

Allele frequency attached by ClinVar (database versions not stated): gnomAD exomes below 0.00001; ExAC 0.00001; gnomAD 0.00001; TOPMed 0.00002.
gnomAD v4.1: 14 of 1,614,048 alleles (0.00087%); highest among the groups gnomAD compares: Non-Finnish European, 0.0011%; no homozygotes.

Submission:

Labcorp Genetics (formerly Invitae), Labcorp
Classification: Uncertain significance for Perlman syndrome. Last evaluated: 2025-11-10. Review status: criteria provided, single submitter. Criteria: Invitae Variant Classification Sherloc (09022015). Collection method: clinical testing. Allele origin: germline.
Comment: This sequence change replaces proline, which is neutral and non-polar, with arginine, which is basic and polar, at codon 514 of the DIS3L2 protein (p.Pro514Arg). This variant is present in population databases (rs201358022, gnomAD 0.0009%). This variant has not been reported in the literature in individuals affected with DIS3L2-related conditions. ClinVar contains an entry for this variant (Variation ID: 860707). An algorithm developed to predict the effect of missense changes on protein structure and function (PolyPhen-2) suggests that this variant is likely to be disruptive. In summary, the available evidence is currently insufficient to determine the role of this variant in disease. Therefore, it has been classified as a Variant of Uncertain Significance.

NM_152383.5(DIS3L2):c.1541C>G (p.Pro514Arg)

Gene: DIS3L2 (DIS3 like 3'-5' exoribonuclease 2; plus strand). Cytogenetic location: 2q37.1.
Variant type: single nucleotide variant.
Coding change: c.1541C>G on transcript NM_152383.5 (MANE Select); coding-DNA position 1541, C replaced by G.
Protein change: p.Pro514Arg; replaces proline 514 with arginine.
Molecular consequence: missense variant. On other transcripts: non-coding transcript variant (2).
Genome position (GRCh38, 1-based): chr2:232,263,322, C>G. VCF-style: chr2-232263322-C-G. GRCh37 (hg19) VCF-style: chr2-233128032-C-G.
Other names: c.1541C>G, p.Pro514Arg (NM_001257281.2); short protein forms P514R.
Identifiers: ClinVar variation 860707 (VCV000860707.9), dbSNP rs201358022, ClinGen allele CA2164182.